The following is an entry in ClinVar:

ClinVar aggregate classification (germline): Uncertain significance (0 of 4 stars; one submission).

Conditions:
SETD1A-related disorder. Also called: SETD1A-related condition.

Submission:

PreventionGenetics, part of Exact Sciences
Classification: Uncertain significance for SETD1A-related condition. Last evaluated: 2023-12-19. Review status: no assertion criteria provided. Collection method: clinical testing. Allele origin: germline.
Comment: The SETD1A c.3509_3511delTCT variant is predicted to result in an in-frame deletion (p.Phe1170del). To our knowledge, this variant has not been reported in the literature. This variant is reported in 0.00089% of alleles in individuals of European (Non-Finnish) descent in gnomAD. At this time, the clinical significance of this variant is uncertain due to the absence of conclusive functional and genetic evidence.

NM_014712.3(SETD1A):c.3509_3511del (p.Phe1170del)

Gene: SETD1A (SET domain containing 1A, histone lysine methyltransferase; plus strand). Cytogenetic location: 16p11.2.
Variant type: Deletion.
Coding change: c.3509_3511del on transcript NM_014712.3 (MANE Select); coding-DNA positions 3509 to 3511, 3 bases deleted (TCT; older notation c.3509_3511delTCT).
Protein change: p.Phe1170del; deletes phenylalanine 1170.
Molecular consequence: inframe deletion.
Genome position (GRCh38, 1-based): chr16:30,979,295-30,979,297, TCT deleted; deleting any 3 consecutive bases within chr16:30,979,293-30,979,297 gives the same sequence; the c. name uses the placement nearest the transcript's 3' end. VCF-style (leftmost placement, unchanged base first): chr16-30979292-CCTT-C. GRCh37 (hg19) VCF-style: chr16-30990613-CCTT-C.
Other names: short protein forms F1170del.
Identifiers: ClinVar variation 3356075 (VCV003356075.1).
Genomic context (GRCh38, chr16:30,979,292, plus strand): 5'-AGCGTCCCTCTTCTCCCATCCCCCTCCTGCCCCCACCCAAGAAACGCCGGAAAACTGTCT[CCTT>C]CTCTGCCATCGAGGTGGTGCCAGCCCCGGAGCCCCCTCCAGCCACACCGCCGCAGGCCAA-3'